The following is an entry in ClinVar:

ClinVar aggregate classification (germline): Pathogenic (3 of 4 stars; one submission).

Conditions:
Breast-ovarian cancer, familial, susceptibility to, 2 (BROVCA2). Also called: BRCA2 Hereditary Breast and Ovarian Cancer. Identifiers: Orphanet 145, MedGen C2675520, MONDO:0012933, OMIM 612555. Disease mechanism: loss of function.

Submission:

Evidence-based Network for the Interpretation of Germline Mutant Alleles (ENIGMA)
Classification: Pathogenic for Breast-ovarian cancer, familial, susceptibility to, 2. Last evaluated: 2017-12-15. Review status: reviewed by expert panel. Criteria: ENIGMA BRCA1/2 Classification Criteria (2017-06-29). Collection method: curation. Allele origin: germline. Study: ENIGMA.
Comment: Variant allele predicted to encode a truncated non-functional protein.

NM_000059.4(BRCA2):c.9716_9717insAT (p.Val3240fs)

Gene: BRCA2 (BRCA2 DNA repair associated; plus strand). Cytogenetic location: 13q13.1.
Variant type: Insertion.
Coding change: c.9716_9717insAT on transcript NM_000059.4 (MANE Select); coding-DNA positions 9716 to 9717, AT inserted.
Protein change: p.Val3240fs; shifts the reading frame from valine 3240.
Molecular consequence: frameshift variant.
Genome position: GRCh38 VCF-style: chr13-32398229-C-CAT. GRCh37 (hg19) VCF-style: chr13-32972366-C-CAT.
Other names: short protein forms V3240fs.
Identifiers: ClinVar variation 548362 (VCV000548362.1), dbSNP rs1555289928, ClinGen allele CA658823604.
Genomic context (GRCh38, chr13:32,398,229, plus strand): 5'-CTCCTAATTGTGAGATATATTATCAAAGTCCTTTATCACTTTGTATGGCCAAAAGGAAGT[C>CAT]TGTTTCCACACCTGTCTCAGCCCAGATGACTTCAAAGTCTTGTAAAGGGGAGAAAGAGAT-3'